The following is an entry in ClinVar:

NM_003242.6(TGFBR2):c.619C>T (p.Arg207Trp)

Gene: TGFBR2 (transforming growth factor beta receptor 2; plus strand). Cytogenetic location: 3p24.1.
Variant type: single nucleotide variant.
Coding change: c.619C>T on transcript NM_003242.6 (MANE Select); coding-DNA position 619, C replaced by T.
Protein change: p.Arg207Trp; replaces arginine 207 with tryptophan.
Molecular consequence: missense variant.
Genome position (GRCh38, 1-based): chr3:30,671,802, C>T. VCF-style: chr3-30671802-C-T. GRCh37 (hg19) VCF-style: chr3-30713294-C-T.
Other names: c.694C>T, p.Arg232Trp (NM_001024847.3); c.802C>T, p.Arg268Trp (NM_001407126.1); c.727C>T, p.Arg243Trp (NM_001407127.1); c.646C>T, p.Arg216Trp (NM_001407128.1); c.622C>T, p.Arg208Trp (NM_001407129.1); c.619C>T, p.Arg207Trp (NM_001407130.1); c.514C>T, p.Arg172Trp (NM_001407132.1, NM_001407133.1, NM_001407134.1 and 2 more transcripts); c.334C>T, p.Arg112Trp (NM_001407137.1); and 1 more; short protein forms R207W, R232W, R208W, R87W, R112W, R216W, R243W, R268W.
Identifiers: ClinVar variation 919747 (VCV000919747.13), dbSNP rs775640617, ClinGen allele CA049408.

ClinVar aggregate classification (germline): Uncertain significance. Review status: criteria provided, multiple submitters, no conflicts (2 of 4 stars). 3 submissions from 3 submitters: Uncertain significance (3). Last evaluated 2023-05-04.

Conditions:
Loeys-Dietz syndrome 2 (LDS2). Also called: TGFBR2-Related Loeys-Dietz Syndrome; AORTIC ANEURYSM, FAMILIAL THORACIC 3; MARFAN SYNDROME, TYPE II; Marfan Syndrome type 2; Marfan like connective tissue disorder; MFS 2. Identifiers: Orphanet 284973, Orphanet 558, MedGen C2674574, MONDO:0012427, OMIM 610168.
Familial thoracic aortic aneurysm and aortic dissection (TAAD). Also called: Thoracic aortic aneurysms and dissections. Identifiers: Orphanet 91387, MedGen C4707243, MONDO:0019625.

Allele frequency attached by ClinVar (database versions not stated): gnomAD exomes below 0.00001 and 0.00001; ExAC 0.00001.
gnomAD v4.1: 8 of 1,614,216 alleles (0.0005%); highest among the groups gnomAD compares: East Asian, 0.0022%; no homozygotes.

Submissions (3):

All of Us Research Program, National Institutes of Health
Classification: Uncertain significance for Loeys-Dietz syndrome 2. Last evaluated: 2023-05-04. Review status: criteria provided, single submitter. Criteria: ACMG Guidelines, 2015. Collection method: clinical testing. Allele origin: germline. Inheritance: Autosomal dominant inheritance. Observed: 1 variant allele, 1 heterozygote.
Comment: This missense variant replaces arginine with tryptophan at codon 207 of the TGFBR2 protein. Computational prediction suggests that this variant may not impact protein structure and function (internally defined REVEL score threshold <= 0.5, PMID: 27666373). To our knowledge, functional studies have not been reported for this variant. This variant has not been reported in individuals affected with cardiovascular disorders in the literature. This variant has been identified in 3/251146 chromosomes in the general population by the Genome Aggregation Database (gnomAD). The available evidence is insufficient to determine the role of this variant in disease conclusively. Therefore, this variant is classified as a Variant of Uncertain Significance.

This study involves interpretation of variants in research participants for the purpose of population health screening. Participant phenotype was not available at the time of variant classification. Additional details can be found in publication PMID: 35346344, PMCID: PMC8962531

Color Diagnostics, LLC DBA Color Health
Classification: Uncertain significance for Familial thoracic aortic aneurysm and aortic dissection. Last evaluated: 2023-04-03. Review status: criteria provided, single submitter. Criteria: ACMG Guidelines, 2015. Collection method: clinical testing. Allele origin: germline.
Comment: This missense variant replaces arginine with tryptophan at codon 207 of the TGFBR2 protein. Computational prediction suggests that this variant may not impact protein structure and function (internally defined REVEL score threshold <= 0.5, PMID: 27666373). To our knowledge, functional studies have not been reported for this variant. This variant has not been reported in individuals affected with TGFBR2-related disorders in the literature. This variant has been identified in 3/251146 chromosomes in the general population by the Genome Aggregation Database (gnomAD). The available evidence is insufficient to determine the role of this variant in disease conclusively. Therefore, this variant is classified as a Variant of Uncertain Significance.

Labcorp Genetics (formerly Invitae), Labcorp
Classification: Uncertain significance for Familial thoracic aortic aneurysm and aortic dissection. Last evaluated: 2022-09-22. Review status: criteria provided, single submitter. Criteria: Invitae Variant Classification Sherloc (09022015). Collection method: clinical testing. Allele origin: germline.
Comment: In summary, the available evidence is currently insufficient to determine the role of this variant in disease. Therefore, it has been classified as a Variant of Uncertain Significance. Advanced modeling of protein sequence and biophysical properties (such as structural, functional, and spatial information, amino acid conservation, physicochemical variation, residue mobility, and thermodynamic stability) performed at Invitae indicates that this missense variant is not expected to disrupt TGFBR2 protein function. ClinVar contains an entry for this variant (Variation ID: 919747). This variant has not been reported in the literature in individuals affected with TGFBR2-related conditions. This variant is present in population databases (rs775640617, gnomAD 0.006%). This sequence change replaces arginine, which is basic and polar, with tryptophan, which is neutral and slightly polar, at codon 207 of the TGFBR2 protein (p.Arg207Trp).